The following is an entry in ClinVar:

ClinVar aggregate classification (germline): Uncertain significance (1 of 4 stars; one submission).

Submission:

Ambry Genetics
Classification: Uncertain significance. Last evaluated: 2022-12-16. Review status: criteria provided, single submitter. Criteria: Ambry Variant Classification Scheme 2023. Collection method: clinical testing. Allele origin: germline.
Comment: The p.Q752R variant (also known as c.2255A>G), located in coding exon 15 of the RINT1 gene, results from an A to G substitution at nucleotide position 2255. The glutamine at codon 752 is replaced by arginine, an amino acid with highly similar properties. This amino acid position is conserved. In addition, the in silico prediction for this alteration is inconclusive. Since supporting evidence is limited at this time, the clinical significance of this alteration remains unclear.

NM_021930.6(RINT1):c.2255A>G (p.Gln752Arg)

Genes: EFCAB10 (EF-hand calcium binding domain 10; minus strand), RINT1 (RAD50 interactor 1; plus strand). Cytogenetic location: 7q22.3.
Variant type: single nucleotide variant.
Coding change: c.2255A>G on transcript NM_021930.6 (MANE Select); coding-DNA position 2255, A replaced by G.
Protein change: p.Gln752Arg; replaces glutamine 752 with arginine.
Molecular consequence: missense variant. On other transcripts: 3 prime UTR variant (2), non-coding transcript variant (1), intron variant (3).
Genome position (GRCh38, 1-based): chr7:105,567,187, A>G. VCF-style: chr7-105567187-A-G. GRCh37 (hg19) VCF-style: chr7-105207634-A-G.
Other names: c.*267T>C (NM_001355527.2, NM_001355529.2); c.2021A>G, p.Gln674Arg (NM_001346599.2); c.1232A>G, p.Gln411Arg (NM_001346600.2, NM_001346603.2); c.1331A>G, p.Gln444Arg (NM_001346601.2); c.360-1740T>C (NM_001355531.2); c.383+280T>C (NM_001355526.2, NM_001355530.2); short protein forms Q411R, Q444R, Q674R, Q752R.
Identifiers: ClinVar variation 3227642 (VCV003227642.1), dbSNP rs919181672, ClinGen allele CA368815493.